The following is an entry in ClinVar:

NM_000260.4(MYO7A):c.376A>T (p.Lys126Ter)

Gene: MYO7A (myosin VIIA; plus strand). Cytogenetic location: 11q13.5.
Variant type: single nucleotide variant.
Coding change: c.376A>T on transcript NM_000260.4 (MANE Select); coding-DNA position 376, A replaced by T.
Protein change: p.Lys126Ter; replaces lysine 126 with a stop codon.
Molecular consequence: nonsense.
Genome position (GRCh38, 1-based): chr11:77,155,997, A>T. VCF-style: chr11-77155997-A-T. GRCh37 (hg19) VCF-style: chr11-76867043-A-T.
Other names: c.376A>T, p.Lys126Ter (NM_001127180.2); c.343A>T, p.Lys115Ter (NM_001369365.1); short protein forms K126*, K115*.
Identifiers: ClinVar variation 1374162 (VCV001374162.6), dbSNP rs2135227381, ClinGen allele CA381931406.

ClinVar aggregate classification (germline): Pathogenic (1 of 4 stars; one submission).

Submission:

Labcorp Genetics (formerly Invitae), Labcorp
Classification: Pathogenic. Last evaluated: 2021-03-10. Review status: criteria provided, single submitter. Criteria: Invitae Variant Classification Sherloc (09022015). Collection method: clinical testing. Allele origin: germline.
Comment: For these reasons, this variant has been classified as Pathogenic. This sequence change creates a premature translational stop signal (p.Lys126*) in the MYO7A gene. It is expected to result in an absent or disrupted protein product. Loss-of-function variants in MYO7A are known to be pathogenic (PMID: 8900236, 25404053). This variant is not present in population databases (ExAC no frequency). This variant has not been reported in the literature in individuals with MYO7A-related conditions. Algorithms developed to predict the effect of sequence changes on RNA splicing suggest that this variant may create or strengthen a splice site, but this prediction has not been confirmed by published transcriptional studies.

Literature cited by the submitters: PubMed 8900236; PubMed 25404053.